The following is an entry in ClinVar:

ClinVar aggregate classification (germline): Uncertain significance. Review status: criteria provided, multiple submitters, no conflicts (2 of 4 stars). 5 submissions from 5 submitters: Uncertain significance (5). Last evaluated 2025-12-29.

Conditions:
Sessile serrated polyposis cancer syndrome (SSPCS). Identifiers: Orphanet 157798, MedGen C4310714, MONDO:0014919, OMIM 617108.

Allele frequency attached by ClinVar (database versions not stated): gnomAD exomes below 0.00001 and 0.00001; TOPMed 0.00002.
gnomAD v4.1: 10 of 1,614,150 alleles (0.00062%); highest among the groups gnomAD compares: Non-Finnish European, 0.00085%; no homozygotes.

Submissions (5):

Center for Genomic Medicine, Rigshospitalet, Copenhagen University Hospital
Classification: Uncertain significance. Last evaluated: 2025-12-29. Review status: criteria provided, single submitter. Criteria: ACMG Guidelines, 2015. Collection method: clinical testing. Allele origin: germline.

Ambry Genetics
Classification: Uncertain significance. Last evaluated: 2025-04-22. Review status: criteria provided, single submitter. Criteria: Ambry Variant Classification Scheme 2023. Collection method: clinical testing. Allele origin: germline.
Comment: The p.G489R variant (also known as c.1465G>C), located in coding exon 8 of the RNF43 gene, results from a G to C substitution at nucleotide position 1465. The glycine at codon 489 is replaced by arginine, an amino acid with dissimilar properties. This amino acid position is well conserved in available vertebrate species. In addition, this alteration is predicted to be tolerated by in silico analysis. The evidence for this gene-disease relationship is limited; therefore, the clinical significance of this alteration is unclear.

Baylor Genetics
Classification: Uncertain significance for Sessile serrated polyposis cancer syndrome. Last evaluated: 2024-03-17. Review status: criteria provided, single submitter. Criteria: ACMG Guidelines, 2015. Collection method: clinical testing. Allele origin: unknown.

Labcorp Genetics (formerly Invitae), Labcorp
Classification: Uncertain significance. Last evaluated: 2024-01-18. Review status: criteria provided, single submitter. Criteria: Invitae Variant Classification Sherloc (09022015). Collection method: clinical testing. Allele origin: germline.
Comment: This sequence change replaces glycine, which is neutral and non-polar, with arginine, which is basic and polar, at codon 489 of the RNF43 protein (p.Gly489Arg). This variant is present in population databases (no rsID available, gnomAD 0.0009%). This variant has not been reported in the literature in individuals affected with RNF43-related conditions. ClinVar contains an entry for this variant (Variation ID: 1411854). An algorithm developed to predict the effect of missense changes on protein structure and function (PolyPhen-2) suggests that this variant is likely to be disruptive. In summary, the available evidence is currently insufficient to determine the role of this variant in disease. Therefore, it has been classified as a Variant of Uncertain Significance.

GeneDx
Classification: Uncertain significance. Last evaluated: 2024-01-07. Review status: criteria provided, single submitter. Criteria: GeneDx Variant Classification Process June 2021. Collection method: clinical testing. Allele origin: germline. Affected: yes.
Comment: Not observed at significant frequency in large population cohorts (gnomAD); In silico analysis supports that this missense variant has a deleterious effect on protein structure/function; Has not been previously published as pathogenic or benign to our knowledge; Variants in candidate genes are classified as variants of uncertain significance in accordance with ACMG guidelines (PMID: 25741868)

NM_017763.6(RNF43):c.1465G>C (p.Gly489Arg)

Gene: RNF43 (ring finger protein 43; minus strand). Cytogenetic location: 17q22.
Variant type: single nucleotide variant.
Coding change: c.1465G>C on transcript NM_017763.6 (MANE Select); coding-DNA position 1465, G replaced by C.
Protein change: p.Gly489Arg; replaces glycine 489 with arginine.
Molecular consequence: missense variant.
Genome position (GRCh38, 1-based): chr17:58,358,311, C>G on the plus strand (G>C on the coding strand, the complement: RNF43 is on the minus strand). VCF-style: chr17-58358311-C-G. GRCh37 (hg19) VCF-style: chr17-56435672-C-G.
Other names: c.1465G>C (NM_017763.4); c.1465G>C, p.Gly489Arg (NM_001305544.3); c.1084G>C, p.Gly362Arg (NM_001305545.2); short protein forms G362R, G489R.
Identifiers: ClinVar variation 1411854 (VCV001411854.10), dbSNP rs1046264882, ClinGen allele CA292012547.